The following is an entry in ClinVar:

NM_005973.5(PRCC):c.722C>T (p.Ser241Leu)

Gene: PRCC (proline rich mitotic checkpoint control factor; plus strand). Cytogenetic location: 1q23.1.
Variant type: single nucleotide variant.
Coding change: c.722C>T on transcript NM_005973.5 (MANE Select); coding-DNA position 722, C replaced by T.
Protein change: p.Ser241Leu; replaces serine 241 with leucine.
Molecular consequence: missense variant.
Genome position (GRCh38, 1-based): chr1:156,786,813, C>T. VCF-style: chr1-156786813-C-T. GRCh37 (hg19) VCF-style: chr1-156756605-C-T.
Other names: short protein forms S241L.
Identifiers: ClinVar variation 2431443 (VCV002431443.1), dbSNP rs770347241, ClinGen allele CA31079396.

ClinVar aggregate classification (germline): Uncertain significance (1 of 4 stars; one submission).

Conditions:
Papillary renal cell carcinoma type 1 (RCCP1). Also called: RENAL CELL CARCINOMA, PAPILLARY, 1, SOMATIC; Renal adenocarcinoma; Renal cell carcinoma 1; Renal cell carcinoma, somatic. Identifiers: Orphanet 47044, MedGen C1336839, OMIM 605074, HP:0011797.

Allele frequency attached by ClinVar (database versions not stated): gnomAD 0.00001; gnomAD exomes 0.00001; TOPMed 0.00001.
gnomAD v4.1: 9 of 1,614,120 alleles (0.00056%); highest among the groups gnomAD compares: South Asian, 0.0011%; no homozygotes.

Submission:

Laboratorio de Genetica e Diagnostico Molecular, Hospital Israelita Albert Einstein
Classification: Uncertain significance for Papillary renal cell carcinoma type 1. Last evaluated: 2022-06-07. Review status: criteria provided, single submitter. Criteria: ACMG Guidelines, 2015. Collection method: clinical testing. Allele origin: germline. Affected: yes. Observed: 1 variant allele.
Comment: ACMG classification criteria: PM2 moderated, BP4 supporting